The following is an entry in ClinVar:

NM_032270.5(LRRC8C):c.117C>T (p.Gly39=)

Gene: LRRC8C (leucine rich repeat containing 8 VRAC subunit C; plus strand). Cytogenetic location: 1p22.2.
Variant type: single nucleotide variant.
Coding change: c.117C>T on transcript NM_032270.5 (MANE Select); coding-DNA position 117, C replaced by T.
Protein change: p.Gly39=; no amino-acid change (glycine 39 retained).
Molecular consequence: synonymous variant.
Genome position (GRCh38, 1-based): chr1:89,686,590, C>T. VCF-style: chr1-89686590-C-T. GRCh37 (hg19) VCF-style: chr1-90152149-C-T.
Identifiers: ClinVar variation 5041140 (VCV005041140.1).

ClinVar aggregate classification (germline): Likely benign (1 of 4 stars; one submission).

gnomAD v4.1: 216 of 1,614,052 alleles (0.013%); highest among the groups gnomAD compares: Middle Eastern, 0.016%; no homozygotes.

Submission:

CeGaT Center for Human Genetics Tuebingen
Classification: Likely benign. Last evaluated: 2026-09-01. Review status: criteria provided, single submitter. Criteria: CeGaT Center For Human Genetics Tuebingen Variant Classification Criteria Version 2. Collection method: clinical testing. Allele origin: germline. Affected: yes. Observed: 1 variant allele.
Comment: LRRC8C: BP4, BP7